The following is an entry in ClinVar:

NM_002085.5(GPX4):c.85-427C>T

Genes: GPX4 (glutathione peroxidase 4; plus strand), LOC130062887 (ATAC-STARR-seq lymphoblastoid silent region 9665; plus strand). Cytogenetic location: 19p13.3.
Variant type: single nucleotide variant.
Coding change: c.85-427C>T on transcript NM_002085.5 (MANE Select); 427 bases into the intron before coding-DNA position 85, C replaced by T.
Molecular consequence: intron variant. On other transcripts: missense variant (1).
Genome position (GRCh38, 1-based): chr19:1,104,759, C>T. VCF-style: chr19-1104759-C-T. GRCh37 (hg19) VCF-style: chr19-1104758-C-T.
Other names: c.25C>T (NM_001039848.1); c.25C>T, p.Pro9Ser (NM_001039848.4); c.85-427C>T (NM_001039847.3); c.4-427C>T (NM_001367832.1); short protein forms P9S.
Identifiers: ClinVar variation 1347118 (VCV001347118.7), dbSNP rs930479449, ClinGen allele CA303993029.
Genomic context (GRCh38, chr19:1,104,759, plus strand): 5'-GGTGGGGGAGCCAGGAGGGGCGGGAGACGGGCGGGTATGGGCCGCGCGGGCGCAGGCTCC[C>T]CCGGGCGCCGCAGGCAGCGGTGCCAGAGCCGGGGCAGGCGGCGGCCGCGAGCCCCTCGGC-3'

ClinVar aggregate classification (germline): Uncertain significance. Review status: criteria provided, multiple submitters, no conflicts (2 of 4 stars). 3 submissions from 3 submitters: Uncertain significance (3). Last evaluated 2025-12-08.

Conditions:
Inborn genetic diseases. Identifiers: MedGen C0950123, MeSH D030342.

Allele frequency attached by ClinVar (database versions not stated): gnomAD 0.00037 and 0.00040; TOPMed 0.00040; gnomAD exomes 0.00003; 1000 Genomes Project 30x 0.00016.
gnomAD v4.1: 85 of 986,594 alleles (0.0086%); highest among the groups gnomAD compares: African/African-American, 0.14%; no homozygotes.

Submissions (3):

Ambry Genetics
Classification: Uncertain significance for Inborn genetic diseases. Last evaluated: 2025-12-08. Review status: criteria provided, single submitter. Criteria: Ambry Variant Classification Scheme 2023. Collection method: clinical testing. Allele origin: germline.

Labcorp Genetics (formerly Invitae), Labcorp
Classification: Uncertain significance. Last evaluated: 2023-07-07. Review status: criteria provided, single submitter. Criteria: Invitae Variant Classification Sherloc (09022015). Collection method: clinical testing. Allele origin: germline.
Comment: In summary, the available evidence is currently insufficient to determine the role of this variant in disease. Therefore, it has been classified as a Variant of Uncertain Significance. Experimental studies and prediction algorithms are not available or were not evaluated, and the functional significance of this variant is currently unknown. ClinVar contains an entry for this variant (Variation ID: 1347118). This variant has not been reported in the literature in individuals affected with GPX4-related conditions. This variant is present in population databases (no rsID available, gnomAD 0.09%). This sequence change replaces proline, which is neutral and non-polar, with serine, which is neutral and polar, at codon 9 of the GPX4 protein (p.Pro9Ser).

Breakthrough Genomics
Classification: Uncertain significance. Review status: criteria provided, single submitter. Criteria: ACMG Guidelines, 2015. Collection method: not provided. Allele origin: germline. Inheritance: Autosomal recessive inheritance. Affected: yes.